The following is an entry in ClinVar:

ClinVar aggregate classification (germline): Uncertain significance. Review status: criteria provided, multiple submitters, no conflicts (2 of 4 stars). 2 submissions from 2 submitters: Uncertain significance (2). Last evaluated 2025-10-02.

Conditions:
Inborn genetic diseases. Identifiers: MedGen C0950123, MeSH D030342.

gnomAD v4.1: 1 of 1,612,630 alleles (0.000062%); highest among the groups gnomAD compares: African/African-American, 0.0013%; no homozygotes.

Submissions (2):

Ambry Genetics
Classification: Uncertain significance for Inborn genetic diseases. Last evaluated: 2025-10-02. Review status: criteria provided, single submitter. Criteria: Ambry Variant Classification Scheme 2023. Collection method: clinical testing. Allele origin: germline.

GeneDx
Classification: Uncertain significance. Last evaluated: 2024-03-18. Review status: criteria provided, single submitter. Criteria: GeneDx Variant Classification Process June 2021. Collection method: clinical testing. Allele origin: germline. Affected: yes.
Comment: Not observed at significant frequency in large population cohorts (gnomAD); In silico analysis supports that this missense variant has a deleterious effect on protein structure/function; Has not been previously published as pathogenic or benign to our knowledge

NM_018136.5(ASPM):c.1649C>G (p.Pro550Arg)

Gene: ASPM (assembly factor for spindle microtubules; minus strand). Cytogenetic location: 1q31.3.
Variant type: single nucleotide variant.
Coding change: c.1649C>G on transcript NM_018136.5 (MANE Select); coding-DNA position 1649, C replaced by G.
Protein change: p.Pro550Arg; replaces proline 550 with arginine.
Molecular consequence: missense variant.
Genome position (GRCh38, 1-based): chr1:197,142,603, G>C on the plus strand (C>G on the coding strand, the complement: ASPM is on the minus strand). VCF-style: chr1-197142603-G-C. GRCh37 (hg19) VCF-style: chr1-197111733-G-C.
Other names: c.1649C>G, p.Pro550Arg (NM_001206846.2); short protein forms P550R.
Identifiers: ClinVar variation 3370968 (VCV003370968.2).